The following is an entry in ClinVar:

ClinVar aggregate classification (germline): Conflicting classifications of pathogenicity. Review status: criteria provided, conflicting classifications (1 of 4 stars). 3 submissions from 3 submitters: Uncertain significance (1); Likely benign (2). Last evaluated 2025-12-05.

Allele frequency attached by ClinVar (database versions not stated): gnomAD 0.00264; 1000 Genomes Project 30x 0.00297.

Submissions (3):

Labcorp Genetics (formerly Invitae), Labcorp
Classification: Likely benign. Last evaluated: 2025-12-05. Review status: criteria provided, single submitter. Criteria: Invitae Variant Classification Sherloc (09022015). Collection method: clinical testing. Allele origin: germline.

CeGaT Center for Human Genetics Tuebingen
Classification: Likely benign. Last evaluated: 2023-01-01. Review status: criteria provided, single submitter. Criteria: CeGaT Center For Human Genetics Tuebingen Variant Classification Criteria Version 2. Collection method: clinical testing. Allele origin: germline. Affected: yes. Observed: 1 variant allele.
Comment: TUBGCP6: BP4, BP7

Genetic Services Laboratory, University of Chicago
Classification: Uncertain significance. Last evaluated: 2017-02-07. Review status: criteria provided, single submitter. Criteria: ACMG Guidelines, 2015. Collection method: clinical testing. Allele origin: germline. Affected: no.

NM_020461.4(TUBGCP6):c.3382A>C (p.Arg1128=)

Gene: TUBGCP6 (tubulin gamma complex component 6; minus strand). Cytogenetic location: 22q13.33.
Variant type: single nucleotide variant.
Coding change: c.3382A>C on transcript NM_020461.4 (MANE Select); coding-DNA position 3382, A replaced by C.
Protein change: p.Arg1128=; no amino-acid change (arginine 1128 retained).
Molecular consequence: synonymous variant.
Genome position (GRCh38, 1-based): chr22:50,220,977, T>G on the plus strand (A>C on the coding strand, the complement: TUBGCP6 is on the minus strand). VCF-style: chr22-50220977-T-G. GRCh37 (hg19) VCF-style: chr22-50659406-T-G.
Identifiers: ClinVar variation 437149 (VCV000437149.34), dbSNP rs1266725037, ClinGen allele CA515376356.